The following is an entry in ClinVar:

ClinVar aggregate classification (germline): Conflicting classifications of pathogenicity. Review status: criteria provided, conflicting classifications (1 of 4 stars). 7 submissions from 7 submitters: Uncertain significance (1); Likely benign (6). Last evaluated 2025-03-20.

Conditions:
Aortic aneurysm, familial thoracic 4 (AAT4). Also called: AORTIC ANEURYSM/AORTIC DISSECTION AND PATENT DUCTUS ARTERIOSUS. Identifiers: MedGen C1851504, MONDO:0007568, OMIM 132900.
Familial thoracic aortic aneurysm and aortic dissection (TAAD). Also called: Thoracic aortic aneurysms and dissections. Identifiers: Orphanet 91387, MedGen C4707243, MONDO:0019625.

Allele frequency attached by ClinVar (database versions not stated): TOPMed 0.00001; ExAC 0.00003; gnomAD 0.00005; gnomAD exomes 0.00007.
gnomAD v4.1: 86 of 1,613,994 alleles (0.0053%); highest among the groups gnomAD compares: East Asian, 0.062%; no homozygotes.

Submissions (7):

Labcorp Genetics (formerly Invitae), Labcorp
Classification: Likely benign for Aortic aneurysm, familial thoracic 4. Last evaluated: 2025-03-20. Review status: criteria provided, single submitter. Criteria: Invitae Variant Classification Sherloc (09022015). Collection method: clinical testing. Allele origin: germline.

Blueprint Genetics
Classification: Likely benign. Last evaluated: 2024-01-29. Review status: criteria provided, single submitter. Criteria: ACMG Guidelines, 2015. Collection method: clinical testing. Allele origin: germline.

All of Us Research Program, National Institutes of Health
Classification: Likely benign for Familial thoracic aortic aneurysm and aortic dissection. Last evaluated: 2023-09-17. Review status: criteria provided, single submitter. Criteria: ACMG Guidelines, 2015. Collection method: clinical testing. Allele origin: germline. Inheritance: Autosomal dominant inheritance. Observed: 4 variant alleles, 4 heterozygotes.
Comment: This study involves interpretation of variants in research participants for the purpose of population health screening. Participant phenotype was not available at the time of variant classification. Additional details can be found in publication PMID: 35346344, PMCID: PMC8962531

GeneDx
Classification: Likely benign. Last evaluated: 2021-03-12. Review status: criteria provided, single submitter. Criteria: GeneDx Variant Classification Process June 2021. Collection method: clinical testing. Allele origin: germline. Affected: yes.

Ambry Genetics
Classification: Likely benign for Familial thoracic aortic aneurysm and aortic dissection. Last evaluated: 2019-10-20. Review status: criteria provided, single submitter. Criteria: Ambry Variant Classification Scheme 2023. Collection method: clinical testing. Allele origin: germline.

Color Diagnostics, LLC DBA Color Health
Classification: Likely benign for Familial thoracic aortic aneurysm and aortic dissection. Last evaluated: 2019-02-09. Review status: criteria provided, single submitter. Criteria: ACMG Guidelines, 2015. Collection method: clinical testing. Allele origin: germline.

Illumina Laboratory Services, Illumina
Classification: Uncertain significance for Aortic aneurysm, familial thoracic 4. Last evaluated: 2018-01-13. Review status: criteria provided, single submitter. Criteria: ICSL Variant Classification Criteria 13 December 2019. Collection method: clinical testing. Allele origin: germline.

NM_002474.3(MYH11):c.708C>T (p.Asn236=)

Gene: MYH11 (myosin heavy chain 11; minus strand). Cytogenetic location: 16p13.11.
Variant type: single nucleotide variant.
Coding change: c.708C>T on transcript NM_002474.3 (MANE Select); coding-DNA position 708, C replaced by T.
Protein change: p.Asn236=; no amino-acid change (asparagine 236 retained).
Molecular consequence: synonymous variant.
Genome position (GRCh38, 1-based): chr16:15,782,403, G>A on the plus strand (C>T on the coding strand, the complement: MYH11 is on the minus strand). VCF-style: chr16-15782403-G-A. GRCh37 (hg19) VCF-style: chr16-15876260-G-A.
Other names: c.729C>T, p.Asn243= (NM_001040113.2, NM_001040114.2); c.708C>T, p.Asn236= (NM_022844.3).
Identifiers: ClinVar variation 386413 (VCV000386413.25), dbSNP rs768328532, ClinGen allele CA7922849.